The following is an entry in ClinVar:

ClinVar aggregate classification (germline): Conflicting classifications of pathogenicity. Review status: criteria provided, conflicting classifications (1 of 4 stars). 2 submissions from 2 submitters: Uncertain significance (1); Likely benign (1). Last evaluated 2025-04-03.

Allele frequency attached by ClinVar (database versions not stated): gnomAD exomes 0.00001; TOPMed 0.00001; gnomAD 0.00002.
gnomAD v4.1: 12 of 1,209,102 alleles (0.00099%); highest among the groups gnomAD compares: Non-Finnish European, 0.0013%; no homozygotes.

Submissions (2):

Ambry Genetics
Classification: Uncertain significance. Last evaluated: 2025-04-03. Review status: criteria provided, single submitter. Criteria: Ambry Variant Classification Scheme 2023. Collection method: clinical testing. Allele origin: germline.

CeGaT Center for Human Genetics Tuebingen
Classification: Likely benign. Last evaluated: 2023-05-01. Review status: criteria provided, single submitter. Criteria: CeGaT Center For Human Genetics Tuebingen Variant Classification Criteria Version 2. Collection method: clinical testing. Allele origin: germline. Affected: yes. Observed: 1 variant allele.
Comment: ADGRG4: BP4, BS2

NM_153834.4(ADGRG4):c.1955A>G (p.Asn652Ser)

Gene: ADGRG4 (adhesion G protein-coupled receptor G4; plus strand). Cytogenetic location: Xq26.3.
Variant type: single nucleotide variant.
Coding change: c.1955A>G on transcript NM_153834.4 (MANE Select); coding-DNA position 1955, A replaced by G.
Protein change: p.Asn652Ser; replaces asparagine 652 with serine.
Molecular consequence: missense variant.
Genome position (GRCh38, 1-based): chrX:136,345,661, A>G. VCF-style: chrX-136345661-A-G. GRCh37 (hg19) VCF-style: chrX-135427820-A-G.
Other names: c.1955A>G (NM_153834.3); short protein forms N652S.
Identifiers: ClinVar variation 2661510 (VCV002661510.24), dbSNP rs1246614990, ClinGen allele CA414625721.